The following is an entry in ClinVar:

ClinVar aggregate classification (germline): Uncertain significance (1 of 4 stars; one submission).

gnomAD v4.1: 1 of 1,612,708 alleles (0.000062%); highest among the groups gnomAD compares: Non-Finnish European, 0.000085%; no homozygotes.

Submission:

GeneDx
Classification: Uncertain significance. Last evaluated: 2026-01-31. Review status: criteria provided, single submitter. Criteria: GeneDx Variant Classification Process June 2021. Collection method: clinical testing. Allele origin: germline.
Comment: Not observed at significant frequency in large population cohorts (gnomAD); In silico analysis supports that this missense variant has a deleterious effect on protein structure/function; Has not been previously published as pathogenic or benign to our knowledge

NM_001330700.2(TOP2B):c.2839C>T (p.Leu947Phe)

Gene: TOP2B (DNA topoisomerase II beta; minus strand). Cytogenetic location: 3p24.2.
Variant type: single nucleotide variant.
Coding change: c.2839C>T on transcript NM_001330700.2 (MANE Select); coding-DNA position 2839, C replaced by T.
Protein change: p.Leu947Phe; replaces leucine 947 with phenylalanine.
Molecular consequence: missense variant.
Genome position (GRCh38, 1-based): chr3:25,620,705, G>A on the plus strand (C>T on the coding strand, the complement: TOP2B is on the minus strand). VCF-style: chr3-25620705-G-A. GRCh37 (hg19) VCF-style: chr3-25662196-G-A.
Other names: c.2824C>T, p.Leu942Phe (NM_001068.3); short protein forms L942F, L947F.
Identifiers: ClinVar variation 4975989 (VCV004975989.1).